The following is an entry in ClinVar:

NM_001365999.1(SZT2):c.6595C>G (p.Arg2199Gly)

Gene: SZT2 (SZT2 subunit of KICSTOR complex; plus strand). Cytogenetic location: 1p34.2.
Variant type: single nucleotide variant.
Coding change: c.6595C>G on transcript NM_001365999.1 (MANE Select); coding-DNA position 6595, C replaced by G.
Protein change: p.Arg2199Gly; replaces arginine 2199 with glycine.
Molecular consequence: missense variant.
Genome position (GRCh38, 1-based): chr1:43,438,785, C>G. VCF-style: chr1-43438785-C-G. GRCh37 (hg19) VCF-style: chr1-43904456-C-G.
Other names: c.6424C>G, p.Arg2142Gly (NM_015284.4); short protein forms R2142G, R2199G.
Identifiers: ClinVar variation 2123295 (VCV002123295.4), dbSNP rs1654739334, ClinGen allele CA340031129.

ClinVar aggregate classification (germline): Uncertain significance (1 of 4 stars; one submission).

Submission:

Labcorp Genetics (formerly Invitae), Labcorp
Classification: Uncertain significance. Last evaluated: 2022-05-17. Review status: criteria provided, single submitter. Criteria: Invitae Variant Classification Sherloc (09022015). Collection method: clinical testing. Allele origin: germline.
Comment: In summary, the available evidence is currently insufficient to determine the role of this variant in disease. Therefore, it has been classified as a Variant of Uncertain Significance. This variant is not present in population databases (gnomAD no frequency). Algorithms developed to predict the effect of missense changes on protein structure and function (SIFT, PolyPhen-2, Align-GVGD) all suggest that this variant is likely to be disruptive. This variant has not been reported in the literature in individuals affected with SZT2-related conditions. This sequence change replaces arginine, which is basic and polar, with glycine, which is neutral and non-polar, at codon 2142 of the SZT2 protein (p.Arg2142Gly).